The following is an entry in ClinVar:

NM_014363.6(SACS):c.10622A>G (p.Tyr3541Cys)

Gene: SACS (sacsin molecular chaperone; minus strand). Cytogenetic location: 13q12.12.
Variant type: single nucleotide variant.
Coding change: c.10622A>G on transcript NM_014363.6 (MANE Select); coding-DNA position 10622, A replaced by G.
Protein change: p.Tyr3541Cys; replaces tyrosine 3541 with cysteine.
Molecular consequence: missense variant.
Genome position (GRCh38, 1-based): chr13:23,333,254, T>C on the plus strand (A>G on the coding strand, the complement: SACS is on the minus strand). VCF-style: chr13-23333254-T-C. GRCh37 (hg19) VCF-style: chr13-23907393-T-C.
Other names: c.10181A>G, p.Tyr3394Cys (NM_001278055.2); short protein forms Y3541C, Y3394C.
Identifiers: ClinVar variation 448185 (VCV000448185.8), dbSNP rs747013127, ClinGen allele CA6910422.

ClinVar aggregate classification (germline): Conflicting classifications of pathogenicity. Review status: criteria provided, conflicting classifications (1 of 4 stars). 4 submissions from 4 submitters: Uncertain significance (2); Likely benign (1). 1 of the submissions does not count toward it. Last evaluated 2024-01-22.

Conditions:
Charlevoix-Saguenay spastic ataxia (SACS). Also called: AUTOSOMAL RECESSIVE SPASTIC ATAXIA OF CHARLEVOIX-SAGUENAY; SPASTIC ATAXIA 6, AUTOSOMAL RECESSIVE; Spastic ataxia of Charlevoix-Saguenay. Identifiers: Orphanet 98, MedGen C1849140, MONDO:0010041, OMIM 270550.
Spastic paraplegia. Identifiers: MedGen C0037772, HP:0001258.

Allele frequency attached by ClinVar (database versions not stated): gnomAD exomes 0.00003; TOPMed 0.00003; gnomAD 0.00002; ExAC 0.00002.
gnomAD v4.1: 47 of 1,600,596 alleles (0.0029%); highest among the groups gnomAD compares: Admixed American, 0.007%; no homozygotes.

Submissions (4):

Labcorp Genetics (formerly Invitae), Labcorp
Classification: Likely benign for Spastic paraplegia. Last evaluated: 2024-01-22. Review status: criteria provided, single submitter. Criteria: Invitae Variant Classification Sherloc (09022015). Collection method: clinical testing. Allele origin: germline.

Mayo Clinic Laboratories, Mayo Clinic
Classification: Uncertain significance. Last evaluated: 2023-08-17. Review status: criteria provided, single submitter. Criteria: ACMG Guidelines, 2015. Collection method: clinical testing. Allele origin: germline. Observed: 2 variant alleles.
Comment: PM2_moderate

Athena Diagnostics
Classification: Uncertain significance. Last evaluated: 2018-09-05. Review status: criteria provided, single submitter. Criteria: Athena Diagnostics Criteria. Collection method: clinical testing. Allele origin: germline.

Natera, Inc.
Classification: Uncertain significance for Charlevoix-Saguenay type spastic ataxia. Last evaluated: 2019-11-11. Review status: no assertion criteria provided. Collection method: clinical testing. Allele origin: germline. Not counted in ClinVar's aggregate classification.